The following is an entry in ClinVar:

NM_024675.4(PALB2):c.3156del (p.Asp1052fs)

Gene: PALB2 (partner and localizer of BRCA2; minus strand). Cytogenetic location: 16p12.2.
Variant type: Deletion.
Coding change: c.3156del on transcript NM_024675.4 (MANE Select); coding-DNA position 3156, one base deleted (T; older notation c.3156delT).
Protein change: p.Asp1052fs; shifts the reading frame from aspartic acid 1052.
Molecular consequence: frameshift variant. On other transcripts: intron variant (3).
Genome position (GRCh38, 1-based): chr16:23,614,049, A deleted on the plus strand (T on the coding strand, the reverse complement: PALB2 is on the minus strand). VCF-style (leftmost placement, unchanged base first): chr16-23614048-CA-C. GRCh37 (hg19) VCF-style: chr16-23625369-CA-C.
Other names: c.3096del, p.Asp1032fs (NM_001407296.1); c.3084del, p.Asp1028fs (NM_001407297.1); c.2994del, p.Asp998fs (NM_001407298.1, NM_001407302.1); c.2877del, p.Asp959fs (NM_001407300.1); c.3156del, p.Asp1052fs (NM_001407301.1); c.2271del, p.Asp757fs (NM_001407304.1, NM_001407305.1, NM_001407306.1 and 2 more transcripts); c.2109del, p.Asp703fs (NM_001407307.1); c.1368del, p.Asp456fs (NM_001407312.1, NM_001407313.1); and 3 more; short protein forms D1028fs, D703fs, D456fs, D1052fs, D230fs, D757fs, D959fs, D998fs.
Identifiers: ClinVar variation 3413437 (VCV003413437.1).
Genomic context (GRCh38, chr16:23,614,048, plus strand): 5'-GCCAGTCATTACTTACCATTTCAGAATAGGCTTTGTGACAGACTGAAGCTTGGTAAGAAT[CA>C]TCAATGTGCATCTTTTTCAGGAGTTGACCAGTTTTTAAATTCCTTAGATAACAAAAATAA-3'

ClinVar aggregate classification (germline): Pathogenic (1 of 4 stars; one submission).

Conditions:
Hereditary cancer-predisposing syndrome. Also called: Neoplastic Syndromes, Hereditary; Tumor predisposition; Hereditary Cancer Syndrome; Hereditary neoplastic syndrome. Identifiers: Orphanet 140162, MedGen C0027672, MeSH D009386, MONDO:0015356.

Submission:

Ambry Genetics
Classification: Pathogenic for Hereditary cancer-predisposing syndrome. Last evaluated: 2024-07-11. Review status: criteria provided, single submitter. Criteria: Ambry Variant Classification Scheme 2023. Collection method: clinical testing. Allele origin: germline.
Comment: The c.3156delT pathogenic mutation, located in coding exon 11 of the PALB2 gene, results from a deletion of one nucleotide at nucleotide position 3156, causing a translational frameshift with a predicted alternate stop codon (p.D1052Efs*23). This variant is considered to be rare based on population cohorts in the Genome Aggregation Database (gnomAD). This alteration is expected to result in loss of function by premature protein truncation or nonsense-mediated mRNA decay. As such, this alteration is interpreted as a disease-causing mutation.